The following is an entry in ClinVar:

ClinVar aggregate classification (germline): Uncertain significance. Review status: criteria provided, multiple submitters, no conflicts (2 of 4 stars). 2 submissions from 2 submitters: Uncertain significance (2). Last evaluated 2025-05-14.

Conditions:
Inborn genetic diseases. Identifiers: MedGen C0950123, MeSH D030342.

Allele frequency attached by ClinVar (database versions not stated): gnomAD 0.00001; ExAC 0.00001; TOPMed 0.00003.
gnomAD v4.1: 8 of 1,613,930 alleles (0.0005%); highest among the groups gnomAD compares: Admixed American, 0.005%; no homozygotes.

Submissions (2):

Ambry Genetics
Classification: Uncertain significance for Inborn genetic diseases. Last evaluated: 2025-05-14. Review status: criteria provided, single submitter. Criteria: Ambry Variant Classification Scheme 2023. Collection method: clinical testing. Allele origin: germline.

Labcorp Genetics (formerly Invitae), Labcorp
Classification: Uncertain significance. Last evaluated: 2022-02-18. Review status: criteria provided, single submitter. Criteria: Invitae Variant Classification Sherloc (09022015). Collection method: clinical testing. Allele origin: germline.
Comment: This sequence change replaces serine, which is neutral and polar, with phenylalanine, which is neutral and non-polar, at codon 185 of the USP53 protein (p.Ser185Phe). This variant is present in population databases (rs766680484, gnomAD 0.0009%). This variant has not been reported in the literature in individuals affected with USP53-related conditions. Algorithms developed to predict the effect of missense changes on protein structure and function (SIFT, PolyPhen-2, Align-GVGD) all suggest that this variant is likely to be disruptive. In summary, the available evidence is currently insufficient to determine the role of this variant in disease. Therefore, it has been classified as a Variant of Uncertain Significance.

NM_001371395.1(USP53):c.554C>T (p.Ser185Phe)

Gene: USP53 (ubiquitin specific peptidase 53; plus strand). Cytogenetic location: 4q26.
Variant type: single nucleotide variant.
Coding change: c.554C>T on transcript NM_001371395.1 (MANE Select); coding-DNA position 554, C replaced by T.
Protein change: p.Ser185Phe; replaces serine 185 with phenylalanine.
Molecular consequence: missense variant.
Genome position (GRCh38, 1-based): chr4:119,256,508, C>T. VCF-style: chr4-119256508-C-T. GRCh37 (hg19) VCF-style: chr4-120177663-C-T.
Other names: c.554C>T, p.Ser185Phe (NM_001371396.1, NM_001371397.1, NM_001371398.1 and 6 more transcripts); c.206C>T, p.Ser69Phe (NM_001389662.1, NM_001389663.1, NM_001389664.1 and 3 more transcripts); c.554C>T (NM_019050.2); short protein forms S185F, S69F.
Identifiers: ClinVar variation 1903044 (VCV001903044.3), dbSNP rs766680484, ClinGen allele CA3058946.